The following is an entry in ClinVar:

ClinVar aggregate classification (germline): Uncertain significance. Review status: criteria provided, multiple submitters, no conflicts (2 of 4 stars). 4 submissions from 4 submitters: Uncertain significance (3). 1 of the submissions does not count toward it. Last evaluated 2024-04-14.

Conditions:
MYPN-related disorder. Also called: MYPN-related condition.
Cardiovascular phenotype. Identifiers: MedGen CN230736.
Dilated cardiomyopathy 1KK (CMD1KK). Identifiers: Orphanet 154, Orphanet 75249, MedGen C3714995, MONDO:0014100, OMIM 615248.

Allele frequency attached by ClinVar (database versions not stated): gnomAD 0.00001; TOPMed 0.00001.
gnomAD v4.1: 4 of 1,613,422 alleles (0.00025%); highest among the groups gnomAD compares: Middle Eastern, 0.033%; no homozygotes.

Submissions (4):

GeneDx
Classification: Uncertain significance. Last evaluated: 2024-04-14. Review status: criteria provided, single submitter. Criteria: GeneDx Variant Classification Process June 2021. Collection method: clinical testing. Allele origin: germline. Affected: yes.
Comment: Not observed at significant frequency in large population cohorts (gnomAD); In silico analyses indicate that this missense variant does not alter protein structure/function but support a deleterious effect on splicing; Has not been previously published as pathogenic or benign to our knowledge

Ambry Genetics
Classification: Uncertain significance for Cardiovascular phenotype. Last evaluated: 2024-02-13. Review status: criteria provided, single submitter. Criteria: Ambry Variant Classification Scheme 2023. Collection method: clinical testing. Allele origin: germline.
Comment: The p.R1053W variant (also known as c.3157A>T), located in coding exon 14 of the MYPN gene, results from an A to T substitution at nucleotide position 3157. The arginine at codon 1053 is replaced by tryptophan, an amino acid with dissimilar properties. This amino acid position is highly conserved in available vertebrate species. In addition, this alteration is predicted to be deleterious by in silico analysis. Based on the available evidence, the clinical significance of this alteration remains unclear.

Labcorp Genetics (formerly Invitae), Labcorp
Classification: Uncertain significance for Dilated cardiomyopathy 1KK. Last evaluated: 2022-06-20. Review status: criteria provided, single submitter. Criteria: Invitae Variant Classification Sherloc (09022015). Collection method: clinical testing. Allele origin: germline.
Comment: In summary, the available evidence is currently insufficient to determine the role of this variant in disease. Therefore, it has been classified as a Variant of Uncertain Significance. Algorithms developed to predict the effect of sequence changes on RNA splicing suggest that this variant may disrupt the consensus splice site. Algorithms developed to predict the effect of missense changes on protein structure and function are either unavailable or do not agree on the potential impact of this missense change (SIFT: "Deleterious"; PolyPhen-2: "Benign"; Align-GVGD: "Class C0"). ClinVar contains an entry for this variant (Variation ID: 840350). This variant has not been reported in the literature in individuals affected with MYPN-related conditions. The frequency data for this variant in the population databases is considered unreliable, as metrics indicate poor data quality at this position in the gnomAD database. This sequence change replaces arginine, which is basic and polar, with tryptophan, which is neutral and slightly polar, at codon 1053 of the MYPN protein (p.Arg1053Trp).

PreventionGenetics, part of Exact Sciences
Classification: Uncertain significance for MYPN-related condition. Last evaluated: 2023-11-20. Review status: no assertion criteria provided. Collection method: clinical testing. Allele origin: germline. Not counted in ClinVar's aggregate classification.
Comment: The MYPN c.3157A>T variant is predicted to result in the amino acid substitution p.Arg1053Trp. To our knowledge, this variant has not been reported in the literature or in a large population database, indicating this variant is rare. At this time, the clinical significance of this variant is uncertain due to the absence of conclusive functional and genetic evidence.

NM_032578.4(MYPN):c.3157A>T (p.Arg1053Trp)

Gene: MYPN (myopalladin; plus strand). Cytogenetic location: 10q21.3.
Variant type: single nucleotide variant.
Coding change: c.3157A>T on transcript NM_032578.4 (MANE Select); coding-DNA position 3157, A replaced by T.
Protein change: p.Arg1053Trp; replaces arginine 1053 with tryptophan.
Molecular consequence: missense variant. On other transcripts: non-coding transcript variant (2).
Genome position (GRCh38, 1-based): chr10:68,195,531, A>T. VCF-style: chr10-68195531-A-T. GRCh37 (hg19) VCF-style: chr10-69955288-A-T.
Other names: c.3157A>T, p.Arg1053Trp (NM_001256267.2); c.2275A>T, p.Arg759Trp (NM_001256268.2); c.3157A>T (NM_032578.2); short protein forms R759W, R1053W.
Identifiers: ClinVar variation 840350 (VCV000840350.13), dbSNP rs1447577755, ClinGen allele CA376857830.